The following is an entry in ClinVar:

ClinVar aggregate classification (germline): Benign/Likely benign. Review status: criteria provided, multiple submitters, no conflicts (2 of 4 stars). 6 submissions from 6 submitters: Benign (3); Likely benign (3). Last evaluated 2026-08-01.

Conditions:
Inborn genetic diseases. Identifiers: MedGen C0950123, MeSH D030342.

Allele frequency attached by ClinVar (database versions not stated): 1000 Genomes Project 30x 0.00016; gnomAD 0.00062 and 0.00061; ESP Exome Variant Server 0.00092; TOPMed 0.00117; 1000 Genomes Project 0.00020; gnomAD exomes 0.00044 and 0.00047; ExAC 0.00045.
gnomAD v4.1: 769 of 1,612,658 alleles (0.048%); highest among the groups gnomAD compares: Middle Eastern, 0.6%; 2 homozygotes.

Submissions (6):

CeGaT Center for Human Genetics Tuebingen
Classification: Likely benign. Last evaluated: 2026-08-01. Review status: criteria provided, single submitter. Criteria: CeGaT Center For Human Genetics Tuebingen Variant Classification Criteria Version 2. Collection method: clinical testing. Allele origin: germline. Affected: yes. Observed: 10 variant alleles.
Comment: CTCF: BP4, BP7, BS1

Blueprint Genetics
Classification: Benign. Last evaluated: 2024-11-13. Review status: criteria provided, single submitter. Criteria: ACMG Guidelines, 2015. Collection method: clinical testing. Allele origin: germline.

Labcorp Genetics (formerly Invitae), Labcorp
Classification: Likely benign. Last evaluated: 2019-12-31. Review status: criteria provided, single submitter. Criteria: Invitae Variant Classification Sherloc (09022015). Collection method: clinical testing. Allele origin: germline.

GeneDx
Classification: Benign. Last evaluated: 2019-02-26. Review status: criteria provided, single submitter. Criteria: GeneDx Variant Classification Process June 2021. Collection method: clinical testing. Allele origin: germline. Affected: yes.

Genetic Services Laboratory, University of Chicago
Classification: Benign. Last evaluated: 2017-12-29. Review status: criteria provided, single submitter. Criteria: ACMG Guidelines, 2015. Collection method: clinical testing. Allele origin: germline. Affected: no.

Ambry Genetics
Classification: Likely benign for Inborn genetic diseases. Last evaluated: 2016-05-26. Review status: criteria provided, single submitter. Criteria: Ambry Variant Classification Scheme 2023. Collection method: clinical testing. Allele origin: germline.

NM_006565.4(CTCF):c.2139C>T (p.Asn713=)

Gene: CTCF (CCCTC-binding factor; plus strand). Cytogenetic location: 16q22.1.
Variant type: single nucleotide variant.
Coding change: c.2139C>T on transcript NM_006565.4 (MANE Select); coding-DNA position 2139, C replaced by T.
Protein change: p.Asn713=; no amino-acid change (asparagine 713 retained).
Molecular consequence: synonymous variant.
Genome position (GRCh38, 1-based): chr16:67,637,827, C>T. VCF-style: chr16-67637827-C-T. GRCh37 (hg19) VCF-style: chr16-67671730-C-T.
Other names: c.1155C>T, p.Asn385= (NM_001191022.2); c.2133C>T, p.Asn711= (NM_001363916.2).
Identifiers: ClinVar variation 210802 (VCV000210802.43), dbSNP rs146712579, ClinGen allele CA206396.